The following is an entry in ClinVar:

NM_001291303.3(FAT4):c.13180C>T (p.Pro4394Ser)

Gene: FAT4 (FAT atypical cadherin 4; plus strand). Cytogenetic location: 4q28.1.
Variant type: single nucleotide variant.
Coding change: c.13180C>T on transcript NM_001291303.3 (MANE Select); coding-DNA position 13180, C replaced by T.
Protein change: p.Pro4394Ser; replaces proline 4394 with serine.
Molecular consequence: missense variant.
Genome position (GRCh38, 1-based): chr4:125,489,996, C>T. VCF-style: chr4-125489996-C-T. GRCh37 (hg19) VCF-style: chr4-126411151-C-T.
Other names: c.13177C>T, p.Pro4393Ser (NM_001291285.3); c.13174C>T, p.Pro4392Ser (NM_024582.6); short protein forms P4392S, P4394S, P4393S.
Identifiers: ClinVar variation 546143 (VCV000546143.6), dbSNP rs772779154, ClinGen allele CA3074316.

ClinVar aggregate classification (germline): Uncertain significance. Review status: criteria provided, multiple submitters, no conflicts (2 of 4 stars). 3 submissions from 3 submitters: Uncertain significance (3). Last evaluated 2022-05-29.

Allele frequency attached by ClinVar (database versions not stated): gnomAD exomes 0.00001; ExAC 0.00002; gnomAD 0.00002; TOPMed 0.00002.
gnomAD v4.1: 18 of 1,613,824 alleles (0.0011%); highest among the groups gnomAD compares: East Asian, 0.036%; no homozygotes.

Submissions (3):

Labcorp Genetics (formerly Invitae), Labcorp
Classification: Uncertain significance. Last evaluated: 2022-05-29. Review status: criteria provided, single submitter. Criteria: Invitae Variant Classification Sherloc (09022015). Collection method: clinical testing. Allele origin: germline.
Comment: This sequence change replaces proline, which is neutral and non-polar, with serine, which is neutral and polar, at codon 4392 of the FAT4 protein (p.Pro4392Ser). In summary, the available evidence is currently insufficient to determine the role of this variant in disease. Therefore, it has been classified as a Variant of Uncertain Significance. Advanced modeling of protein sequence and biophysical properties (such as structural, functional, and spatial information, amino acid conservation, physicochemical variation, residue mobility, and thermodynamic stability) performed at Invitae indicates that this missense variant is not expected to disrupt FAT4 protein function. ClinVar contains an entry for this variant (Variation ID: 546143). This variant has not been reported in the literature in individuals affected with FAT4-related conditions. The frequency data for this variant in the population databases is considered unreliable, as metrics indicate poor data quality at this position in the gnomAD database.

GeneDx
Classification: Uncertain significance. Last evaluated: 2018-03-23. Review status: criteria provided, single submitter. Criteria: GeneDx Variant Classification (06012015). Collection method: clinical testing. Allele origin: germline. Affected: yes.
Comment: A variant of uncertain significance has been identified in the FAT4 gene. The P4392S variant has not been published as a pathogenic variant, nor has it been reported as a benign variant to our knowledge. The P4392S variant is observed in 2/17248 (0.01%) alleles from individuals of East Asian background in large population cohorts (Lek et al., 2016). The P4392S variant is a non-conservative amino acid substitution, which is likely to impact secondary protein structure as these residues differ in polarity, charge, size and/or other properties. However, in-silico analyses, including protein predictors and evolutionary conservation, support that this variant does not alter protein structure/function. Therefore, based on the currently available information, it is unclear whether this variant is a pathogenic variant or a rare benign variant.

Breakthrough Genomics
Classification: Uncertain significance. Review status: criteria provided, single submitter. Criteria: ACMG Guidelines, 2015. Collection method: not provided. Allele origin: germline. Inheritance: Autosomal recessive inheritance. Affected: yes.